The following is an entry in ClinVar:

NM_025099.6(CTC1):c.3434T>G (p.Leu1145Arg)

Gene: CTC1 (CST telomere replication complex component 1; minus strand). Cytogenetic location: 17p13.1.
Variant type: single nucleotide variant.
Coding change: c.3434T>G on transcript NM_025099.6 (MANE Select); coding-DNA position 3434, T replaced by G.
Protein change: p.Leu1145Arg; replaces leucine 1145 with arginine.
Molecular consequence: missense variant. On other transcripts: non-coding transcript variant (1).
Genome position (GRCh38, 1-based): chr17:8,228,583, A>C on the plus strand (T>G on the coding strand, the complement: CTC1 is on the minus strand). VCF-style: chr17-8228583-A-C. GRCh37 (hg19) VCF-style: chr17-8131901-A-C.
Other names: c.3203T>G, p.Leu1068Arg (NM_001411067.1); short protein forms L1145R, L1068R.
Identifiers: ClinVar variation 2145767 (VCV002145767.4), dbSNP rs774108596, ClinGen allele CA8371772.
Genomic context (GRCh38, chr17:8,228,583, plus strand): 5'-GGTTTCCTTTCCAGCTCAAAAGAAAGCACAATAGGACGGAGGACAGAGGGGCTAGTACAA[A>C]GTGTCCAGAGGAACATGGTCATGGGCTCGTCAACCCTGGCTGAAGACTAGAAAGAGAAGG-3'
Protein context (NP_079375.3, residues 1135-1155): DEPMTMFLWT[Leu1145Arg]CTSPSVLRPI

ClinVar aggregate classification (germline): Uncertain significance (1 of 4 stars; one submission).

Conditions:
Dyskeratosis congenita. Identifiers: Orphanet 1775, MedGen C0265965, MONDO:0015780.

Allele frequency attached by ClinVar (database versions not stated): TOPMed below 0.00001; ExAC 0.00001; gnomAD 0.00001; gnomAD exomes 0.00001.
gnomAD v4.1: 14 of 1,614,076 alleles (0.00087%); highest among the groups gnomAD compares: Non-Finnish European, 0.0012%; no homozygotes.

Submission:

Labcorp Genetics (formerly Invitae), Labcorp
Classification: Uncertain significance for Dyskeratosis congenita. Last evaluated: 2022-05-10. Review status: criteria provided, single submitter. Criteria: Invitae Variant Classification Sherloc (09022015). Collection method: clinical testing. Allele origin: germline.
Comment: This variant has not been reported in the literature in individuals affected with CTC1-related conditions. This variant is present in population databases (rs774108596, gnomAD 0.002%). This sequence change replaces leucine, which is neutral and non-polar, with arginine, which is basic and polar, at codon 1145 of the CTC1 protein (p.Leu1145Arg). Algorithms developed to predict the effect of missense changes on protein structure and function (SIFT, PolyPhen-2, Align-GVGD) all suggest that this variant is likely to be disruptive. In summary, the available evidence is currently insufficient to determine the role of this variant in disease. Therefore, it has been classified as a Variant of Uncertain Significance.